The following is an entry in ClinVar:

NM_001174150.2(ARL13B):c.621_638del (p.Arg209_Gln214del)

Gene: ARL13B (ARF like GTPase 13B; plus strand). Cytogenetic location: 3q11.2.
Variant type: Deletion.
Coding change: c.621_638del on transcript NM_001174150.2 (MANE Select); coding-DNA positions 621 to 638, 18 bases deleted (GCAGCGTGCTCTTGAGGA).
Protein change: p.Arg209_Gln214del.
Molecular consequence: inframe deletion. On other transcripts: non-coding transcript variant (2).
Genome position (GRCh38, 1-based): chr3:94,036,686-94,036,703, GCAGCGTGCTCTTGAGGA deleted; deleting any 18 consecutive bases within chr3:94,036,684-94,036,703 gives the same sequence; the c. name uses the placement nearest the transcript's 3' end. VCF-style (leftmost placement, unchanged base first): chr3-94036683-AGAGCAGCGTGCTCTTGAG-A. GRCh37 (hg19) VCF-style: chr3-93755527-AGAGCAGCGTGCTCTTGAG-A.
Other names: c.312_329del, p.Arg106_Gln111del (NM_001174151.2); c.576_593del, p.Arg194_Gln199del (NM_001321328.2); c.621_638del, p.Arg209_Gln214del (NM_001410782.1, NM_182896.3); c.300_317del, p.Arg102_Gln107del (NM_001437443.1, NM_144996.4).
Identifiers: ClinVar variation 4292080 (VCV004292080.2).
Genomic context (GRCh38, chr3:94,036,683, plus strand): 5'-GCTACATGTTATTGCAAGAGACTTTGATGCCTTAAATGAACGCATCCAAAAAGAGACAAC[AGAGCAGCGTGCTCTTGAG>A]GAACAAGAGAAACAAGAAAGAGCTGAACGAGTGCGAAAATTACGAGAAGAAAGGTAAGTA-3'

ClinVar aggregate classification (germline): Uncertain significance (1 of 4 stars; one submission).

Conditions:
Joubert syndrome 8 (JBTS8). Identifiers: Orphanet 475, MedGen C2676771, MONDO:0012855, OMIM 612291.

Submission:

3billion
Classification: Uncertain significance for Joubert syndrome 8. Last evaluated: 2025-11-18. Review status: criteria provided, single submitter. Criteria: ACMG Guidelines, 2015. Collection method: clinical testing. Allele origin: germline. Affected: yes.
Comment: The variant is not observed in the gnomAD v4.1.0 dataset. Predicted Consequence/Location: Inframe deletion located in a nonrepeat region: predicted to change the length of the protein and disrupt normal protein function. The variant has been reported as of uncertain significance (ClinVar ID: VCV004292080). Therefore, this variant is classified as VUS according to the recommendation of ACMG/AMP guideline.